The following is an entry in ClinVar:

ClinVar aggregate classification (germline): Uncertain significance. Review status: criteria provided, multiple submitters, no conflicts (2 of 4 stars). 2 submissions from 2 submitters: Uncertain significance (2). Last evaluated 2026-05-21.

Conditions:
Hereditary cancer-predisposing syndrome. Also called: Tumor predisposition; Neoplastic Syndromes, Hereditary; Hereditary Cancer Syndrome; Hereditary neoplastic syndrome. Identifiers: Orphanet 140162, MedGen C0027672, MeSH D009386, MONDO:0015356.
Renal cell carcinoma. Identifiers: Orphanet 217071, MedGen C0007134, MeSH D002292, MONDO:0005086, HP:0005584.

Allele frequency attached by ClinVar (database versions not stated): TOPMed below 0.00001.

Submissions (2):

Ambry Genetics
Classification: Uncertain significance for Hereditary cancer-predisposing syndrome. Last evaluated: 2026-05-21. Review status: criteria provided, single submitter. Criteria: Ambry Variant Classification Scheme 2023. Collection method: clinical testing. Allele origin: germline.
Comment: The p.H1369L variant (also known as c.4106A>T), located in coding exon 20 of the MET gene, results from an A to T substitution at nucleotide position 4106. The histidine at codon 1369 is replaced by leucine, an amino acid with similar properties. This amino acid position is conserved. In addition, this alteration is predicted to be tolerated by in silico analysis. Based on the available evidence, the clinical significance of this variant remains unclear.

Labcorp Genetics (formerly Invitae), Labcorp
Classification: Uncertain significance for Renal cell carcinoma. Last evaluated: 2020-11-15. Review status: criteria provided, single submitter. Criteria: Invitae Variant Classification Sherloc (09022015). Collection method: clinical testing. Allele origin: germline.
Comment: This sequence change replaces histidine with leucine at codon 1369 of the MET protein (p.His1369Leu). The histidine residue is moderately conserved and there is a moderate physicochemical difference between histidine and leucine. This variant is not present in population databases (ExAC no frequency). This variant has not been reported in the literature in individuals with MET-related conditions. Algorithms developed to predict the effect of missense changes on protein structure and function are either unavailable or do not agree on the potential impact of this missense change (SIFT: "Tolerated"; PolyPhen-2: "Possibly Damaging"; Align-GVGD: "Class C0"). In summary, the available evidence is currently insufficient to determine the role of this variant in disease. Therefore, it has been classified as a Variant of Uncertain Significance.

NM_000245.4(MET):c.4052A>T (p.His1351Leu)

Gene: MET (MET proto-oncogene, receptor tyrosine kinase; plus strand). Cytogenetic location: 7q31.2.
Variant type: single nucleotide variant.
Coding change: c.4052A>T on transcript NM_000245.4 (MANE Select); coding-DNA position 4052, A replaced by T.
Protein change: p.His1351Leu; replaces histidine 1351 with leucine.
Molecular consequence: missense variant.
Genome position (GRCh38, 1-based): chr7:116,796,003, A>T. VCF-style: chr7-116796003-A-T. GRCh37 (hg19) VCF-style: chr7-116436057-A-T.
Other names: c.4106A>T, p.His1369Leu (NM_001127500.3); c.2762A>T, p.His921Leu (NM_001324402.2); c.4106A>T (NM_001127500.1); short protein forms H1369L, H921L, H1351L.
Identifiers: ClinVar variation 1400973 (VCV001400973.9), dbSNP rs1490801483, ClinGen allele CA369118297.